The following is an entry in ClinVar:

NM_001355436.2(SPTB):c.5178+1G>A

Gene: SPTB (spectrin beta, erythrocytic; minus strand). Cytogenetic location: 14q23.3.
Variant type: single nucleotide variant.
Coding change: c.5178+1G>A on transcript NM_001355436.2 (MANE Select); the canonical splice donor site of the intron after coding-DNA position 5178, G replaced by A.
Molecular consequence: splice donor variant.
Genome position (GRCh38, 1-based): chr14:64,773,219, C>T on the plus strand (G>A on the coding strand, the complement: SPTB is on the minus strand). VCF-style: chr14-64773219-C-T. GRCh37 (hg19) VCF-style: chr14-65239937-C-T.
Other names: c.5178+1G>A (NM_001024858.4, NM_001355437.2).
Identifiers: ClinVar variation 1710055 (VCV001710055.3), dbSNP rs2503060145, ClinGen allele CA390041626.

ClinVar aggregate classification (germline): Likely pathogenic. Review status: criteria provided, multiple submitters, no conflicts (2 of 4 stars). 2 submissions from 2 submitters: Likely pathogenic (2). Last evaluated 2024-04-12.

Conditions:
Hereditary spherocytosis type 2. Also called: SPHEROCYTOSIS, TYPE 2, AUTOSOMAL DOMINANT. Identifiers: Orphanet 822, MedGen C2674219, MONDO:0000913, OMIM 616649.

Submissions (2):

Revvity Omics, Revvity
Classification: Likely pathogenic. Last evaluated: 2024-04-12. Review status: criteria provided, single submitter. Criteria: ACMG Guidelines, 2015. Collection method: clinical testing. Allele origin: germline.

MGZ Medical Genetics Center
Classification: Likely pathogenic for Hereditary spherocytosis type 2. Last evaluated: 2021-10-28. Review status: criteria provided, single submitter. Criteria: ACMG Guidelines, 2015. Collection method: clinical testing. Allele origin: germline. Affected: yes. Observed: 1 variant allele.
Comment: ACMG criteria applied: PVS1, PM2_SUP